The following is an entry in ClinVar:

NM_199420.4(POLQ):c.6809C>G (p.Ser2270Cys)

Gene: POLQ (DNA polymerase theta; minus strand). Cytogenetic location: 3q13.33.
Variant type: single nucleotide variant.
Coding change: c.6809C>G on transcript NM_199420.4 (MANE Select); coding-DNA position 6809, C replaced by G.
Protein change: p.Ser2270Cys; replaces serine 2270 with cysteine.
Molecular consequence: missense variant.
Genome position (GRCh38, 1-based): chr3:121,468,341, G>C on the plus strand (C>G on the coding strand, the complement: POLQ is on the minus strand). VCF-style: chr3-121468341-G-C. GRCh37 (hg19) VCF-style: chr3-121187188-G-C.
Other names: short protein forms S2270C.
Identifiers: ClinVar variation 3422452 (VCV003422452.1).

ClinVar aggregate classification (germline): Uncertain significance (1 of 4 stars; one submission).

Submission:

Ambry Genetics
Classification: Uncertain significance. Last evaluated: 2024-07-13. Review status: criteria provided, single submitter. Criteria: Ambry Variant Classification Scheme 2023. Collection method: clinical testing. Allele origin: germline.
Comment: The p.S2270C variant (also known as c.6809C>G), located in coding exon 23 of the POLQ gene, results from a C to G substitution at nucleotide position 6809. The serine at codon 2270 is replaced by cysteine, an amino acid with dissimilar properties. This amino acid position is conserved. In addition, this alteration is predicted to be tolerated by in silico analysis. Based on the available evidence, the clinical significance of this variant remains unclear.